The following is an entry in ClinVar:

ClinVar aggregate classification (germline): Uncertain significance. Review status: criteria provided, single submitter (1 of 4 stars). 3 submissions from 3 submitters: Uncertain significance (1). 2 of the submissions do not count toward it. Last evaluated 2023-05-22.

Conditions:
Moyamoya angiopathy. Identifiers: Orphanet 477768, MedGen C5681261.
CEP78-related disorder. Also called: CEP78-related condition.

Allele frequency attached by ClinVar (database versions not stated): gnomAD 0.00001; gnomAD exomes 0.00002.
gnomAD v4.1: 29 of 1,584,714 alleles (0.0018%); highest among the groups gnomAD compares: Non-Finnish European, 0.0024%; no homozygotes.

Submissions (3):

Blueprint Genetics
Classification: Uncertain significance. Last evaluated: 2023-05-22. Review status: criteria provided, single submitter. Criteria: ACMG Guidelines, 2015. Collection method: clinical testing. Allele origin: germline.

PreventionGenetics, part of Exact Sciences
Classification: Uncertain significance for CEP78-related condition. Last evaluated: 2024-07-20. Review status: no assertion criteria provided. Collection method: clinical testing. Allele origin: germline. Not counted in ClinVar's aggregate classification.
Comment: The CEP78 c.22C>T variant is predicted to result in the amino acid substitution p.Arg8Cys. To our knowledge, this variant has not been reported in the literature. This variant is reported in 0.0012% of alleles in individuals of European (Non-Finnish) descent in gnomAD. At this time, the clinical significance of this variant is uncertain due to the absence of conclusive functional and genetic evidence.

University of Washington Center for Mendelian Genomics, University of Washington
Classification: Likely pathogenic for Moyamoya angiopathy. Review status: no assertion criteria provided. Collection method: research. Allele origin: de novo. Affected: yes. Not counted in ClinVar's aggregate classification.

Literature cited by the submitters: PubMed 31474762 (cited by University of Washington Center for Mendelian Genomics, University of Washington).

NM_001330691.3(CEP78):c.22C>T (p.Arg8Cys)

Gene: CEP78 (centrosomal protein 78; plus strand). Cytogenetic location: 9q21.2.
Variant type: single nucleotide variant.
Coding change: c.22C>T on transcript NM_001330691.3 (MANE Select); coding-DNA position 22, C replaced by T.
Protein change: p.Arg8Cys; replaces arginine 8 with cysteine.
Molecular consequence: missense variant.
Genome position (GRCh38, 1-based): chr9:78,236,372, C>T. VCF-style: chr9-78236372-C-T. GRCh37 (hg19) VCF-style: chr9-80851288-C-T.
Other names: c.22C>T, p.Arg8Cys (NM_001098802.3, NM_001330693.3, NM_001330694.2 and 4 more transcripts); c.22C>T (NM_001098802.1); short protein forms R8C.
Identifiers: ClinVar variation 982227 (VCV000982227.3), dbSNP rs1314816485, ClinGen allele CA373999100.